The following is an entry in ClinVar:

ClinVar aggregate classification (germline): Uncertain significance (1 of 4 stars; one submission).

Submission:

CeGaT Center for Human Genetics Tuebingen
Classification: Uncertain significance. Last evaluated: 2022-10-01. Review status: criteria provided, single submitter. Criteria: CeGaT Center For Human Genetics Tuebingen Variant Classification Criteria Version 2. Collection method: clinical testing. Allele origin: germline. Affected: yes. Observed: 1 variant allele.
Comment: TLN2: PM2

NM_015059.3(TLN2):c.6505A>G (p.Lys2169Glu)

Gene: TLN2 (talin 2; plus strand). Cytogenetic location: 15q22.2.
Variant type: single nucleotide variant.
Coding change: c.6505A>G on transcript NM_015059.3 (MANE Select); coding-DNA position 6505, A replaced by G.
Protein change: p.Lys2169Glu; replaces lysine 2169 with glutamic acid.
Molecular consequence: missense variant.
Genome position (GRCh38, 1-based): chr15:62,805,627, A>G. VCF-style: chr15-62805627-A-G. GRCh37 (hg19) VCF-style: chr15-63097826-A-G.
Other names: c.6505A>G, p.Lys2169Glu (NM_001394547.1); short protein forms K2169E.
Identifiers: ClinVar variation 2645418 (VCV002645418.24), dbSNP rs2549066228, ClinGen allele CA392712039.